The following is an entry in ClinVar:

ClinVar aggregate classification (germline): Uncertain significance. Review status: criteria provided, multiple submitters, no conflicts (2 of 4 stars). 2 submissions from 2 submitters: Uncertain significance (2). Last evaluated 2025-11-08.

Conditions:
Inborn genetic diseases. Identifiers: MedGen C0950123, MeSH D030342.

Allele frequency attached by ClinVar (database versions not stated): 1000 Genomes Project 0.00040; ExAC 0.00004; gnomAD 0.00007; TOPMed 0.00006; 1000 Genomes Project 30x 0.00047.
gnomAD v4.1: 26 of 1,612,320 alleles (0.0016%); highest among the groups gnomAD compares: African/African-American, 0.028%; no homozygotes.

Submissions (2):

Ambry Genetics
Classification: Uncertain significance for Inborn genetic diseases. Last evaluated: 2025-11-08. Review status: criteria provided, single submitter. Criteria: Ambry Variant Classification Scheme 2023. Collection method: clinical testing. Allele origin: germline.

Labcorp Genetics (formerly Invitae), Labcorp
Classification: Uncertain significance. Last evaluated: 2023-12-11. Review status: criteria provided, single submitter. Criteria: Invitae Variant Classification Sherloc (09022015). Collection method: clinical testing. Allele origin: germline.
Comment: This sequence change replaces glycine, which is neutral and non-polar, with arginine, which is basic and polar, at codon 280 of the MECR protein (p.Gly280Arg). This variant is present in population databases (rs183136314, gnomAD 0.03%). This variant has not been reported in the literature in individuals affected with MECR-related conditions. ClinVar contains an entry for this variant (Variation ID: 1919436). Advanced modeling of protein sequence and biophysical properties (such as structural, functional, and spatial information, amino acid conservation, physicochemical variation, residue mobility, and thermodynamic stability) has been performed at Invitae for this missense variant, however the output from this modeling did not meet the statistical confidence thresholds required to predict the impact of this variant on MECR protein function. In summary, the available evidence is currently insufficient to determine the role of this variant in disease. Therefore, it has been classified as a Variant of Uncertain Significance.

NM_016011.5(MECR):c.838G>A (p.Gly280Arg)

Gene: MECR (mitochondrial trans-2-enoyl-CoA reductase; minus strand). Cytogenetic location: 1p35.3.
Variant type: single nucleotide variant.
Coding change: c.838G>A on transcript NM_016011.5 (MANE Select); coding-DNA position 838, G replaced by A.
Protein change: p.Gly280Arg; replaces glycine 280 with arginine.
Molecular consequence: missense variant. On other transcripts: non-coding transcript variant (4).
Genome position (GRCh38, 1-based): chr1:29,196,251, C>T on the plus strand (G>A on the coding strand, the complement: MECR is on the minus strand). VCF-style: chr1-29196251-C-T. GRCh37 (hg19) VCF-style: chr1-29522763-C-T.
Other names: c.838G>A (NM_016011.2); c.610G>A, p.Gly204Arg (NM_001024732.4, NM_001349711.2, NM_001349712.2 and 2 more transcripts); c.943G>A, p.Gly315Arg (NM_001349715.2); c.922G>A, p.Gly308Arg (NM_001349716.2); c.688G>A, p.Gly230Arg (NM_001349717.2); short protein forms G204R, G280R, G308R, G315R, G230R.
Identifiers: ClinVar variation 1919436 (VCV001919436.4), dbSNP rs183136314, ClinGen allele CA725622.